The following is an entry in ClinVar:

ClinVar aggregate classification (germline): Pathogenic. Review status: criteria provided, multiple submitters, no conflicts (2 of 4 stars). 2 submissions from 2 submitters: Pathogenic (2). Last evaluated 2023-12-06.

Conditions:
Inborn genetic diseases. Identifiers: MedGen C0950123, MeSH D030342.
Leukocyte adhesion deficiency 1 (LAD1). Also called: LEUKOCYTE ADHESION DEFICIENCY, TYPE I; LAD 1; Lymphocyte function-associated antigen 1 immunodeficiency; LFA 1 immunodeficiency. Identifiers: Orphanet 2968, Orphanet 99842, MedGen C0398738, MONDO:0007293, OMIM 116920.

Allele frequency attached by ClinVar (database versions not stated): TOPMed 0.00001; gnomAD 0.00002; gnomAD exomes 0.00003.

Submissions (2):

Labcorp Genetics (formerly Invitae), Labcorp
Classification: Pathogenic for Leukocyte adhesion deficiency 1. Last evaluated: 2023-12-06. Review status: criteria provided, single submitter. Criteria: Invitae Variant Classification Sherloc (09022015). Collection method: clinical testing. Allele origin: germline.
Comment: This sequence change creates a premature translational stop signal (p.Asp690Glufs*25) in the ITGB2 gene. It is expected to result in an absent or disrupted protein product. Loss-of-function variants in ITGB2 are known to be pathogenic (PMID: 22134107, 25703682). This variant is present in population databases (no rsID available, gnomAD 0.007%). This premature translational stop signal has been observed in individual(s) with leukocyte adhesion deficiency (PMID: 1346132, 22134107). ClinVar contains an entry for this variant (Variation ID: 985608). For these reasons, this variant has been classified as Pathogenic.

Ambry Genetics
Classification: Pathogenic for Inborn genetic diseases. Last evaluated: 2019-02-26. Review status: criteria provided, single submitter. Criteria: Ambry exome assertion method (8-5-2015). Collection method: clinical testing. Allele origin: germline. Affected: yes. Observed: 1 variant allele.

Literature cited by the submitters: PubMed 22134107 (cited by Labcorp Genetics (formerly Invitae), Labcorp and Ambry Genetics); PubMed 25703682 (cited by Labcorp Genetics (formerly Invitae), Labcorp); PubMed 1346132 (cited by Labcorp Genetics (formerly Invitae), Labcorp and Ambry Genetics).

NM_000211.5(ITGB2):c.2070del (p.Asp690fs)

Gene: ITGB2 (integrin subunit beta 2; minus strand). Cytogenetic location: 21q22.3.
Variant type: Deletion.
Coding change: c.2070del on transcript NM_000211.5 (MANE Select); coding-DNA position 2070, one base deleted (T; older notation c.2070delT).
Protein change: p.Asp690fs; shifts the reading frame from aspartic acid 690.
Molecular consequence: frameshift variant.
Genome position (GRCh38, 1-based): chr21:44,888,703, A deleted on the plus strand (T on the coding strand, the reverse complement: ITGB2 is on the minus strand). VCF-style (leftmost placement, unchanged base first): chr21-44888702-CA-C. GRCh37 (hg19) VCF-style: chr21-46308617-CA-C.
Other names: c.2070del, p.Asp690fs (NM_001127491.3); c.1863del, p.Asp621fs (NM_001303238.2); short protein forms D621fs, D690fs.
Identifiers: ClinVar variation 985608 (VCV000985608.11), dbSNP rs1466186480, ClinGen allele CA512549221.